The following is an entry in ClinVar:

NM_000080.4(CHRNE):c.445_458delinsA (p.Ala149fs)

Genes: CHRNE (cholinergic receptor nicotinic epsilon subunit; minus strand), C17orf107 (chromosome 17 open reading frame 107; plus strand). Cytogenetic location: 17p13.2.
Variant type: Indel.
Coding change: c.445_458delinsA on transcript NM_000080.4 (MANE Select); coding-DNA positions 445 to 458, GCAGTGGAGGTCAC replaced by A.
Protein change: p.Ala149fs; shifts the reading frame from alanine 149.
Molecular consequence: frameshift variant. On other transcripts: 3 prime UTR variant (1).
Genome position (GRCh38, 1-based): chr17:4,901,974-4,901,987, GTGACCTCCACTGC replaced by T on the plus strand (GCAGTGGAGGTCAC replaced by A on the coding strand, the reverse complement: CHRNE is on the minus strand). VCF-style: chr17-4901974-GTGACCTCCACTGC-T. GRCh37 (hg19) VCF-style: chr17-4805269-GTGACCTCCACTGC-T.
Other names: c.*1441_*1454delinsT (NM_001145536.2); short protein forms A149fs.
Identifiers: ClinVar variation 659574 (VCV000659574.6), dbSNP rs1597621353, ClinGen allele CA915949476.
Genomic context (GRCh38, chr17:4,901,974, plus strand): 5'-CGGAGTAGCTCTTCCCACCGGAAAATAAGCGAACAGTTCTGCCAATCGAAGGGGAAGTAG[GTGACCTCCACTGC>T]GCAGACGCTGCGGTAGATGGCCGGAGGCAGCCACGTCACGGAGCCGCCCTCGTAGACGAG-3'

ClinVar aggregate classification (germline): Pathogenic/Likely pathogenic. Review status: criteria provided, multiple submitters, no conflicts (2 of 4 stars). 2 submissions from 2 submitters: Pathogenic (1); Likely pathogenic (1). Last evaluated 2024-05-22.

Conditions:
Congenital myasthenic syndrome 4B. Also called: Myasthenic syndrome, congenital, 4b, fast-channel. Identifiers: Orphanet 590, MedGen C4225369, MONDO:0014586, OMIM 616324.
Congenital myasthenic syndrome 4A. Also called: Myasthenic syndrome, congenital, 4a, slow-channel; CONGENITAL MYASTHENIC SYNDROME TYPE Ia1; MYASTHENIC SYNDROME, CONGENITAL, 4A, SLOW-CHANNEL, AUTOSOMAL RECESSIVE. Identifiers: Orphanet 590, MedGen C4225413, MONDO:0011600, OMIM 605809.
Congenital myasthenic syndrome 4C (CMS4C). Also called: Myasthenic syndrome, congenital, associated with acetylcholine receptor deficiency. Identifiers: Orphanet 590, MedGen C1837091, MONDO:0012157, OMIM 608931.

Submissions (2):

Fulgent Genetics
Classification: Likely pathogenic for Congenital myasthenic syndrome 4A; Congenital myasthenic syndrome 4C; Congenital myasthenic syndrome 4B. Last evaluated: 2024-05-22. Review status: criteria provided, single submitter. Criteria: ACMG Guidelines, 2015. Collection method: clinical testing. Allele origin: germline.

Labcorp Genetics (formerly Invitae), Labcorp
Classification: Pathogenic for Congenital myasthenic syndrome 4A. Last evaluated: 2018-08-10. Review status: criteria provided, single submitter. Criteria: Invitae Variant Classification Sherloc (09022015). Collection method: clinical testing. Allele origin: germline.
Comment: For these reasons, this variant has been classified as Pathogenic. This sequence change creates a premature translational stop signal (p.Ala149Thrfs*30) in the CHRNE gene. It is expected to result in an absent or disrupted protein product. This variant is not present in population databases (ExAC no frequency). This variant has not been reported in the literature in individuals with CHRNE-related disease. Loss-of-function variants in CHRNE are known to be pathogenic (PMID: 22678886).

Literature cited by the submitters: PubMed 22678886 (cited by Labcorp Genetics (formerly Invitae), Labcorp).